The following is an entry in ClinVar:

NM_000548.5(TSC2):c.4989+134G>A

Gene: TSC2 (TSC complex subunit 2; plus strand). Cytogenetic location: 16p13.3.
Variant type: single nucleotide variant.
Coding change: c.4989+134G>A on transcript NM_000548.5 (MANE Select); 134 bases into the intron after coding-DNA position 4989, G replaced by A.
Molecular consequence: intron variant.
Genome position (GRCh38, 1-based): chr16:2,087,005, G>A. VCF-style: chr16-2087005-G-A. GRCh37 (hg19) VCF-style: chr16-2137006-G-A.
Other names: c.3447+134G>A (NM_001406693.1, NM_001406692.1, NM_001406694.1); c.4881+134G>A (NM_001406667.1); c.4878+134G>A (NM_001406668.1); c.4389+134G>A (NM_001406680.1); c.4320+134G>A (NM_001406683.1, NM_001406682.1); c.4188+134G>A (NM_001406687.1, NM_001406688.1); c.3576+134G>A (NM_001406689.1); c.3516+134G>A (NM_001406690.1); and 26 more.
Identifiers: ClinVar variation 2645972 (VCV002645972.24), dbSNP rs538131506, ClinGen allele CA276757080.

ClinVar aggregate classification (germline): Benign (1 of 4 stars; one submission).

Allele frequency attached by ClinVar (database versions not stated): gnomAD exomes 0.00011; 1000 Genomes Project 30x 0.00016; 1000 Genomes Project 0.00020; gnomAD 0.00078.
gnomAD v4.1: 256 of 1,354,632 alleles (0.019%); highest among the groups gnomAD compares: African/African-American, 0.28%; 1 homozygote.

Submission:

CeGaT Center for Human Genetics Tuebingen
Classification: Benign. Last evaluated: 2022-04-01. Review status: criteria provided, single submitter. Criteria: CeGaT Center For Human Genetics Tuebingen Variant Classification Criteria Version 2. Collection method: clinical testing. Allele origin: germline. Affected: yes. Observed: 1 variant allele.
Comment: TSC2: BS1, BS2